The following is an entry in ClinVar:

NM_013451.4(MYOF):c.3223C>T (p.Arg1075Cys)

Gene: MYOF (myoferlin; minus strand). Cytogenetic location: 10q23.33.
Variant type: single nucleotide variant.
Coding change: c.3223C>T on transcript NM_013451.4 (MANE Select); coding-DNA position 3223, C replaced by T.
Protein change: p.Arg1075Cys; replaces arginine 1075 with cysteine.
Molecular consequence: missense variant.
Genome position (GRCh38, 1-based): chr10:93,356,746, G>A on the plus strand (C>T on the coding strand, the complement: MYOF is on the minus strand). VCF-style: chr10-93356746-G-A. GRCh37 (hg19) VCF-style: chr10-95116503-G-A.
Other names: c.3184C>T, p.Arg1062Cys (NM_133337.3); short protein forms R1062C, R1075C.
Identifiers: ClinVar variation 2672406 (VCV002672406.23), dbSNP rs181998538, ClinGen allele CA5607562.

ClinVar aggregate classification (germline): Uncertain significance (1 of 4 stars; one submission).

Allele frequency attached by ClinVar (database versions not stated): ExAC 0.00001; gnomAD 0.00001; TOPMed 0.00003; ESP Exome Variant Server 0.00008.
gnomAD v4.1: 83 of 1,614,018 alleles (0.0051%); highest among the groups gnomAD compares: Non-Finnish European, 0.0065%; no homozygotes.

Submission:

CeGaT Center for Human Genetics Tuebingen
Classification: Uncertain significance. Last evaluated: 2023-11-01. Review status: criteria provided, single submitter. Criteria: CeGaT Center For Human Genetics Tuebingen Variant Classification Criteria Version 2. Collection method: clinical testing. Allele origin: germline. Affected: yes. Observed: 1 variant allele.
Comment: MYOF: PP3